The following is an entry in ClinVar:

NM_005566.4(LDHA):c.593-302G>A

Gene: LDHA (lactate dehydrogenase A; plus strand). Cytogenetic location: 11p15.1.
Variant type: single nucleotide variant.
Coding change: c.593-302G>A on transcript NM_005566.4 (MANE Select); 302 bases into the intron before coding-DNA position 593, G replaced by A.
Molecular consequence: intron variant.
Genome position (GRCh38, 1-based): chr11:18,403,392, G>A. VCF-style: chr11-18403392-G-A. GRCh37 (hg19) VCF-style: chr11-18424939-G-A.
Other names: c.593-302G>A (NM_001165416.2, NM_001165415.2); c.419-302G>A (NM_001135239.2); c.680-302G>A (NM_001165414.2).
Identifiers: ClinVar variation 673425 (VCV000673425.1), dbSNP rs16935413, ClinGen allele CA218584810.
Genomic context (GRCh38, chr11:18,403,392, plus strand): 5'-GATGAGCAAATCCAAATGCACAAAAGTTATATTATCACAGTTGAAAAATGTTATGATTAG[G>A]TTCTGTATGCTAAGAAAACCCCCCTTATGTTCTCATACTATCTTTATATTTCAAATATAC-3'

ClinVar aggregate classification (germline): Likely benign (1 of 4 stars; one submission).

Allele frequency attached by ClinVar (database versions not stated): gnomAD 0.01205 and 0.01260; TOPMed 0.01343; 1000 Genomes Project 0.01737; 1000 Genomes Project 30x 0.01827.
gnomAD v4.1: 1,815 of 152,128 alleles (1.2%); highest among the groups gnomAD compares: African/African-American, 4.1%; 42 homozygotes.

Submission:

GeneDx
Classification: Likely benign. Last evaluated: 2018-06-16. Review status: criteria provided, single submitter. Criteria: GeneDx Variant Classification (06012015). Collection method: clinical testing. Allele origin: germline. Affected: yes.
Comment: This variant is considered likely benign or benign based on one or more of the following criteria: it is a conservative change, it occurs at a poorly conserved position in the protein, it is predicted to be benign by multiple in silico algorithms, and/or has population frequency not consistent with disease.